The following is an entry in ClinVar:

ClinVar aggregate classification (germline): Uncertain significance (1 of 4 stars; one submission).

Conditions:
Hereditary cancer-predisposing syndrome. Also called: Neoplastic Syndromes, Hereditary; Tumor predisposition; Hereditary neoplastic syndrome; Hereditary Cancer Syndrome. Identifiers: Orphanet 140162, MedGen C0027672, MeSH D009386, MONDO:0015356.
Cardiovascular phenotype. Identifiers: MedGen CN230736.

Submission:

Ambry Genetics
Classification: Uncertain significance for Cardiovascular phenotype; Hereditary cancer-predisposing syndrome. Last evaluated: 2023-05-25. Review status: criteria provided, single submitter. Criteria: Ambry Variant Classification Scheme 2023. Collection method: clinical testing. Allele origin: germline.
Comment: The p.N1493Y variant (also known as c.4477A>T), located in coding exon 33 of the NF1 gene, results from an A to T substitution at nucleotide position 4477. The asparagine at codon 1493 is replaced by tyrosine, an amino acid with dissimilar properties. This amino acid position is conserved. In addition, this alteration is predicted to be deleterious by in silico analysis. Since supporting evidence is limited at this time, the clinical significance of this alteration remains unclear.

NM_001042492.3(NF1):c.4540A>T (p.Asn1514Tyr)

Gene: NF1 (neurofibromin 1; plus strand). Cytogenetic location: 17q11.2.
Variant type: single nucleotide variant.
Coding change: c.4540A>T on transcript NM_001042492.3 (MANE Select); coding-DNA position 4540, A replaced by T.
Protein change: p.Asn1514Tyr; replaces asparagine 1514 with tyrosine.
Molecular consequence: missense variant.
Genome position (GRCh38, 1-based): chr17:31,260,478, A>T. VCF-style: chr17-31260478-A-T. GRCh37 (hg19) VCF-style: chr17-29587496-A-T.
Other names: c.4477A>T, p.Asn1493Tyr (NM_000267.4); short protein forms N1493Y, N1514Y.
Identifiers: ClinVar variation 3237785 (VCV003237785.1), dbSNP rs864622404.